The following is an entry in ClinVar:

ClinVar aggregate classification (germline): Uncertain significance. Review status: criteria provided, multiple submitters, no conflicts (2 of 4 stars). 2 submissions from 2 submitters: Uncertain significance (2). Last evaluated 2025-09-23.

Conditions:
TMEM67-related disorder. Also called: TMEM67-related condition; TMEM67-related disorders. Identifiers: MedGen CN239423.
Joubert syndrome. Also called: JOUBERT-BOLTSHAUSER SYNDROME; Familial aplasia of the vermis. Identifiers: Orphanet 475, MedGen C5979921, MONDO:0018772.
Meckel-Gruber syndrome. Also called: DYSENCEPHALIA SPLANCHNOCYSTICA; GRUBER SYNDROME; Dysencephalia splachnocystica. Identifiers: Orphanet 564, MedGen C0265215, MONDO:0018921.

Allele frequency attached by ClinVar (database versions not stated): TOPMed below 0.00001; ExAC 0.00001; gnomAD exomes 0.00001.
gnomAD v4.1: 5 of 1,612,030 alleles (0.00031%); highest among the groups gnomAD compares: Admixed American, 0.0067%; no homozygotes.

Submissions (2):

PreventionGenetics, part of Exact Sciences
Classification: Uncertain significance for TMEM67-related condition. Last evaluated: 2025-09-23. Review status: criteria provided, single submitter. Criteria: ACMG Guidelines, 2015. Collection method: clinical testing. Allele origin: germline.
Comment: The TMEM67 c.565C>T variant is predicted to result in the amino acid substitution p.Pro189Ser. To our knowledge, this variant has not been reported in the literature. This variant is reported in 0.0087% of alleles in individuals of Latino descent in gnomAD. At this time, the clinical significance of this variant is uncertain due to the absence of conclusive functional and genetic evidence.

Labcorp Genetics (formerly Invitae), Labcorp
Classification: Uncertain significance for Joubert syndrome; Meckel-Gruber syndrome. Last evaluated: 2021-12-28. Review status: criteria provided, single submitter. Criteria: Invitae Variant Classification Sherloc (09022015). Collection method: clinical testing. Allele origin: germline.
Comment: This sequence change replaces proline, which is neutral and non-polar, with serine, which is neutral and polar, at codon 189 of the TMEM67 protein (p.Pro189Ser). This variant is present in population databases (rs777374995, gnomAD 0.009%). This variant has not been reported in the literature in individuals affected with TMEM67-related conditions. Advanced modeling of protein sequence and biophysical properties (such as structural, functional, and spatial information, amino acid conservation, physicochemical variation, residue mobility, and thermodynamic stability) performed at Invitae indicates that this missense variant is not expected to disrupt TMEM67 protein function. In summary, the available evidence is currently insufficient to determine the role of this variant in disease. Therefore, it has been classified as a Variant of Uncertain Significance.

NM_153704.6(TMEM67):c.565C>T (p.Pro189Ser)

Gene: TMEM67 (transmembrane protein 67; plus strand). Cytogenetic location: 8q22.1.
Variant type: single nucleotide variant.
Coding change: c.565C>T on transcript NM_153704.6 (MANE Select); coding-DNA position 565, C replaced by T.
Protein change: p.Pro189Ser; replaces proline 189 with serine.
Molecular consequence: missense variant. On other transcripts: non-coding transcript variant (1).
Genome position (GRCh38, 1-based): chr8:93,765,464, C>T. VCF-style: chr8-93765464-C-T. GRCh37 (hg19) VCF-style: chr8-94777692-C-T.
Other names: c.322C>T, p.Pro108Ser (NM_001142301.1); short protein forms P108S, P189S.
Identifiers: ClinVar variation 2153448 (VCV002153448.2), dbSNP rs777374995, ClinGen allele CA4807699.